The following is an entry in ClinVar:

NM_006015.6(ARID1A):c.4726C>T (p.Pro1576Ser)

Gene: ARID1A (AT-rich interaction domain 1A; plus strand). Cytogenetic location: 1p36.11.
Variant type: single nucleotide variant.
Coding change: c.4726C>T on transcript NM_006015.6 (MANE Select); coding-DNA position 4726, C replaced by T.
Protein change: p.Pro1576Ser; replaces proline 1576 with serine.
Molecular consequence: missense variant. On other transcripts: intron variant (1).
Genome position (GRCh38, 1-based): chr1:26,774,953, C>T. VCF-style: chr1-26774953-C-T. GRCh37 (hg19) VCF-style: chr1-27101444-C-T.
Other names: c.4102-27C>T (NM_139135.4); short protein forms P1576S.
Identifiers: ClinVar variation 1712728 (VCV001712728.2), dbSNP rs928335040, ClinGen allele CA19810782.

ClinVar aggregate classification (germline): Uncertain significance (1 of 4 stars; one submission).

Allele frequency attached by ClinVar (database versions not stated): gnomAD 0.00001; TOPMed 0.00001.

Submission:

GeneDx
Classification: Uncertain significance. Last evaluated: 2022-04-25. Review status: criteria provided, single submitter. Criteria: GeneDx Variant Classification Process June 2021. Collection method: clinical testing. Allele origin: germline. Affected: yes.
Comment: In silico analysis supports that this missense variant has a deleterious effect on protein structure/function; Has not been previously published as pathogenic or benign to our knowledge; This variant is associated with the following publications: (PMID: Emery2017[Thesis])